The following is an entry in ClinVar:

NM_145200.5(CABP4):c.421T>A (p.Phe141Ile)

Gene: CABP4 (calcium binding protein 4; plus strand). Cytogenetic location: 11q13.2.
Variant type: single nucleotide variant.
Coding change: c.421T>A on transcript NM_145200.5 (MANE Select); coding-DNA position 421, T replaced by A.
Protein change: p.Phe141Ile; replaces phenylalanine 141 with isoleucine.
Molecular consequence: missense variant.
Genome position (GRCh38, 1-based): chr11:67,456,322, T>A. VCF-style: chr11-67456322-T-A. GRCh37 (hg19) VCF-style: chr11-67223793-T-A.
Other names: c.106T>A, p.Phe36Ile (NM_001300895.3, NM_001300896.3, NM_001379183.1); c.421T>A (NM_145200.3); short protein forms F36I, F141I.
Identifiers: ClinVar variation 2048028 (VCV002048028.4), dbSNP rs761237303, ClinGen allele CA6140214.

ClinVar aggregate classification (germline): Uncertain significance. Review status: criteria provided, multiple submitters, no conflicts (2 of 4 stars). 3 submissions from 3 submitters: Uncertain significance (3). Last evaluated 2026-06-17.

Conditions:
CABP4-related disorder. Also called: CABP4-related condition.

Allele frequency attached by ClinVar (database versions not stated): ExAC 0.00001; TOPMed 0.00001; gnomAD exomes 0.00002.

Submissions (3):

PreventionGenetics, part of Exact Sciences
Classification: Uncertain significance for CABP4-related condition. Last evaluated: 2026-06-17. Review status: criteria provided, single submitter. Criteria: ACMG Guidelines, 2015. Collection method: clinical testing. Allele origin: germline.
Comment: The CABP4 c.421T>A variant is predicted to result in the amino acid substitution p.Phe141Ile. To our knowledge, this variant has not been reported in the literature. This variant is reported in 0.017% of alleles in individuals of Latino descent in gnomAD. At this time, the clinical significance of this variant is uncertain due to the absence of conclusive functional and genetic evidence.

Labcorp Genetics (formerly Invitae), Labcorp
Classification: Uncertain significance. Last evaluated: 2023-11-27. Review status: criteria provided, single submitter. Criteria: Invitae Variant Classification Sherloc (09022015). Collection method: clinical testing. Allele origin: germline.
Comment: This sequence change replaces phenylalanine, which is neutral and non-polar, with isoleucine, which is neutral and non-polar, at codon 141 of the CABP4 protein (p.Phe141Ile). This variant is present in population databases (rs761237303, gnomAD 0.02%). This variant has not been reported in the literature in individuals affected with CABP4-related conditions. ClinVar contains an entry for this variant (Variation ID: 2048028). Advanced modeling of protein sequence and biophysical properties (such as structural, functional, and spatial information, amino acid conservation, physicochemical variation, residue mobility, and thermodynamic stability) has been performed at Invitae for this missense variant, however the output from this modeling did not meet the statistical confidence thresholds required to predict the impact of this variant on CABP4 protein function. In summary, the available evidence is currently insufficient to determine the role of this variant in disease. Therefore, it has been classified as a Variant of Uncertain Significance.

Blueprint Genetics
Classification: Uncertain significance. Last evaluated: 2022-09-30. Review status: criteria provided, single submitter. Criteria: ACMG Guidelines, 2015. Collection method: clinical testing. Allele origin: germline.